The following is an entry in ClinVar:

NM_000090.4(COL3A1):c.2824G>A (p.Gly942Arg)

Gene: COL3A1 (collagen type III alpha 1 chain; plus strand). Cytogenetic location: 2q32.2.
Variant type: single nucleotide variant.
Coding change: c.2824G>A on transcript NM_000090.4 (MANE Select); coding-DNA position 2824, G replaced by A.
Protein change: p.Gly942Arg; replaces glycine 942 with arginine.
Molecular consequence: missense variant.
Genome position (GRCh38, 1-based): chr2:189,004,257, G>A. VCF-style: chr2-189004257-G-A. GRCh37 (hg19) VCF-style: chr2-189868983-G-A.
Identifiers: ClinVar variation 101125 (VCV000101125.11), dbSNP rs587779438, ClinGen allele CA005726.

ClinVar aggregate classification (germline): Likely pathogenic. Review status: criteria provided, single submitter (1 of 4 stars). 2 submissions from 2 submitters: Likely pathogenic (1). 1 of the submissions does not count toward it. Last evaluated 2018-10-10.

Conditions:
Ehlers-Danlos syndrome, type 4 (EDSVASC). Also called: Ehlers-Danlos syndrome vascular type; Ehlers Danlos syndrome, ecchymotic type; Ehlers Danlos syndrome, arterial type; Ehlers Danlos syndrome, Sack-Barabas type; Ehlers-Danlos Syndrome Type IV. Identifiers: Orphanet 286, MedGen C0268338, MONDO:0017314, OMIM 130050.

Submissions (2):

Labcorp Genetics (formerly Invitae), Labcorp
Classification: Likely pathogenic for Ehlers-Danlos syndrome, type 4. Last evaluated: 2018-10-10. Review status: criteria provided, single submitter. Criteria: Invitae Variant Classification Sherloc (09022015). Collection method: clinical testing. Allele origin: germline.
Comment: This sequence change replaces glycine with arginine at codon 942 of the COL3A1 protein (p.Gly942Arg). The glycine residue is moderately conserved and there is a moderate physicochemical difference between glycine and arginine. This variant has been reported in the literature in an individual affected with vascular Ehlers-Danlos syndrome (PMID: 24922459). ClinVar contains an entry for this variant (Variation ID: 101125). Glycine residues within the Gly-Xaa-Yaa repeats of the triple helix domain are required for the structure and stability of fibrillar collagens (PMID: 7695699, 8218237, 19344236). In COL3A1, missense variants at these glycine residues are significantly enriched in individuals with disease (PMID: 24922459, 25758994) compared to the general population (ExAC). This variant disrupts the p.Gly942amino acid residue in COL3A1. Other variant(s) that disrupt this residue have been observed in affected individuals (PMID: 24922459, 10706896), which suggests that this may be a clinically significant amino acid residue. In summary, the currently available evidence indicates that the variant is pathogenic, but additional data are needed to prove that conclusively. Therefore, this variant has been classified as Likely Pathogenic.

Collagen Diagnostic Laboratory, University of Washington
Classification: Pathogenic for Ehlers-Danlos syndrome, type 4. Review status: no assertion criteria provided. Collection method: clinical testing. Allele origin: germline. Affected: yes. Not counted in ClinVar's aggregate classification.

Literature cited by the submitters: PubMed 24922459 (cited by Labcorp Genetics (formerly Invitae), Labcorp); PubMed 7695699 (cited by Labcorp Genetics (formerly Invitae), Labcorp); PubMed 8218237 (cited by Labcorp Genetics (formerly Invitae), Labcorp); PubMed 19344236 (cited by Labcorp Genetics (formerly Invitae), Labcorp); PubMed 25758994 (cited by Labcorp Genetics (formerly Invitae), Labcorp); PubMed 10706896 (cited by Labcorp Genetics (formerly Invitae), Labcorp).